The following is an entry in ClinVar:

NM_001378418.1(TCF20):c.1151C>A (p.Ser384Tyr)

Gene: TCF20 (transcription factor 20; minus strand). Cytogenetic location: 22q13.2.
Variant type: single nucleotide variant.
Coding change: c.1151C>A on transcript NM_001378418.1 (MANE Select); coding-DNA position 1151, C replaced by A.
Protein change: p.Ser384Tyr; replaces serine 384 with tyrosine.
Molecular consequence: missense variant.
Genome position (GRCh38, 1-based): chr22:42,214,155, G>T on the plus strand (C>A on the coding strand, the complement: TCF20 is on the minus strand). VCF-style: chr22-42214155-G-T. GRCh37 (hg19) VCF-style: chr22-42610161-G-T.
Other names: c.1151C>A, p.Ser384Tyr (NM_005650.4, NM_181492.3); short protein forms S384Y.
Identifiers: ClinVar variation 2002488 (VCV002002488.4), dbSNP rs1212166836, ClinGen allele CA411791440.

ClinVar aggregate classification (germline): Uncertain significance (1 of 4 stars; one submission).

Submission:

Labcorp Genetics (formerly Invitae), Labcorp
Classification: Uncertain significance. Last evaluated: 2023-01-24. Review status: criteria provided, single submitter. Criteria: Invitae Variant Classification Sherloc (09022015). Collection method: clinical testing. Allele origin: germline.
Comment: In summary, the available evidence is currently insufficient to determine the role of this variant in disease. Therefore, it has been classified as a Variant of Uncertain Significance. Algorithms developed to predict the effect of missense changes on protein structure and function are either unavailable or do not agree on the potential impact of this missense change (SIFT: "Deleterious"; PolyPhen-2: "Probably Damaging"; Align-GVGD: "Class C0"). This variant has not been reported in the literature in individuals affected with TCF20-related conditions. This variant is not present in population databases (gnomAD no frequency). This sequence change replaces serine, which is neutral and polar, with tyrosine, which is neutral and polar, at codon 384 of the TCF20 protein (p.Ser384Tyr).